The following is an entry in ClinVar:

NM_001458.5(FLNC):c.7214C>G (p.Ser2405Trp)

Genes: FLNC (filamin C; plus strand), FLNC-AS1 (FLNC antisense RNA 1; minus strand). Cytogenetic location: 7q32.1.
Variant type: single nucleotide variant.
Coding change: c.7214C>G on transcript NM_001458.5 (MANE Select); coding-DNA position 7214, C replaced by G.
Protein change: p.Ser2405Trp; replaces serine 2405 with tryptophan.
Molecular consequence: missense variant.
Genome position (GRCh38, 1-based): chr7:128,855,277, C>G. VCF-style: chr7-128855277-C-G. GRCh37 (hg19) VCF-style: chr7-128495331-C-G.
Other names: c.7115C>G, p.Ser2372Trp (NM_001127487.2); short protein forms S2372W, S2405W.
Identifiers: ClinVar variation 3895068 (VCV003895068.1).

ClinVar aggregate classification (germline): Uncertain significance (1 of 4 stars; one submission).

Conditions:
Cardiovascular phenotype. Identifiers: MedGen CN230736.

Submission:

Molecular Diagnostic Laboratory for Inherited Cardiovascular Disease, Montreal Heart Institute
Classification: Uncertain significance for Cardiovascular phenotype. Last evaluated: 2025-04-09. Review status: criteria provided, single submitter. Criteria: ACMG Guidelines, 2015. Collection method: clinical testing. Allele origin: germline. Affected: yes.
Comment: PM2